The following is an entry in ClinVar:

ClinVar aggregate classification (germline): Uncertain significance (1 of 4 stars; one submission).

Conditions:
Hypomyelination and Congenital Cataract (HLD5). Also called: hypomyelinating leukodystrophy 5. Identifiers: Orphanet 85163, MedGen C1864663, MONDO:0012514, OMIM 610532.

Allele frequency attached by ClinVar (database versions not stated): gnomAD exomes below 0.00001.
gnomAD v4.1: 1 of 1,613,244 alleles (0.000062%); highest among the groups gnomAD compares: Admixed American, 0.0017%; no homozygotes.

Submission:

Labcorp Genetics (formerly Invitae), Labcorp
Classification: Uncertain significance for Hypomyelination and Congenital Cataract. Last evaluated: 2021-12-03. Review status: criteria provided, single submitter. Criteria: Invitae Variant Classification Sherloc (09022015). Collection method: clinical testing. Allele origin: germline.
Comment: This variant has not been reported in the literature in individuals affected with FAM126A-related conditions. This sequence change replaces threonine, which is neutral and polar, with proline, which is neutral and non-polar, at codon 298 of the FAM126A protein (p.Thr298Pro). This variant is present in population databases (no rsID available, gnomAD 0.003%). Algorithms developed to predict the effect of missense changes on protein structure and function are either unavailable or do not agree on the potential impact of this missense change (SIFT: "Tolerated"; PolyPhen-2: "Possibly Damaging"; Align-GVGD: "Class C0"). In summary, the available evidence is currently insufficient to determine the role of this variant in disease. Therefore, it has been classified as a Variant of Uncertain Significance.

NM_032581.4(HYCC1):c.892A>C (p.Thr298Pro)

Gene: HYCC1 (hyccin PI4KA lipid kinase complex subunit 1; minus strand). Cytogenetic location: 7p15.3.
Variant type: single nucleotide variant.
Coding change: c.892A>C on transcript NM_032581.4 (MANE Select); coding-DNA position 892, A replaced by C.
Protein change: p.Thr298Pro; replaces threonine 298 with proline.
Molecular consequence: missense variant.
Genome position (GRCh38, 1-based): chr7:22,960,355, T>G on the plus strand (A>C on the coding strand, the complement: HYCC1 is on the minus strand). VCF-style: chr7-22960355-T-G. GRCh37 (hg19) VCF-style: chr7-22999974-T-G.
Other names: c.892A>C, p.Thr298Pro (NM_001363466.2, NM_001363467.2); short protein forms T298P.
Identifiers: ClinVar variation 1489786 (VCV001489786.6), dbSNP rs758708291, ClinGen allele CA366972789.